The following is an entry in ClinVar:

NM_182919.4(TICAM1):c.466C>T (p.Arg156Trp)

Gene: TICAM1 (TIR domain containing adaptor molecule 1; minus strand). Cytogenetic location: 19p13.3.
Variant type: single nucleotide variant.
Coding change: c.466C>T on transcript NM_182919.4 (MANE Select); coding-DNA position 466, C replaced by T.
Protein change: p.Arg156Trp; replaces arginine 156 with tryptophan.
Molecular consequence: missense variant. On other transcripts: intron variant (1).
Genome position (GRCh38, 1-based): chr19:4,817,912, G>A on the plus strand (C>T on the coding strand, the complement: TICAM1 is on the minus strand). VCF-style: chr19-4817912-G-A. GRCh37 (hg19) VCF-style: chr19-4817924-G-A.
Other names: c.424C>T, p.Arg142Trp (NM_001385678.1); c.331C>T, p.Arg111Trp (NM_001385679.1); c.-71-106C>T (NM_001385680.1); short protein forms R111W, R142W, R156W.
Identifiers: ClinVar variation 1019203 (VCV001019203.6), dbSNP rs767397394, ClinGen allele CA9105349.

ClinVar aggregate classification (germline): Uncertain significance (1 of 4 stars; one submission).

Conditions:
Encephalopathy, acute, infection-induced (herpes-specific), susceptibility to, 6. Also called: Herpes simplex encephalitis, susceptibility to, 4. Identifiers: Orphanet 1930, MedGen C3553869, MONDO:0013921, OMIM 614850.

Allele frequency attached by ClinVar (database versions not stated): gnomAD exomes 0.00001 and below 0.00001; TOPMed 0.00001; gnomAD 0.00001; ExAC 0.00002.

Submission:

Labcorp Genetics (formerly Invitae), Labcorp
Classification: Uncertain significance for Encephalopathy, acute, infection-induced (herpes-specific), susceptibility to, 6. Last evaluated: 2021-09-01. Review status: criteria provided, single submitter. Criteria: Invitae Variant Classification Sherloc (09022015). Collection method: clinical testing. Allele origin: germline.
Comment: This sequence change replaces arginine with tryptophan at codon 156 of the TICAM1 protein (p.Arg156Trp). The arginine residue is weakly conserved and there is a moderate physicochemical difference between arginine and tryptophan. This variant is present in population databases (rs767397394, ExAC 0.02%). This variant has not been reported in the literature in individuals affected with TICAM1-related conditions. Algorithms developed to predict the effect of missense changes on protein structure and function are either unavailable or do not agree on the potential impact of this missense change (SIFT: "Deleterious"; PolyPhen-2: "Benign"; Align-GVGD: "Class C0"). In summary, the available evidence is currently insufficient to determine the role of this variant in disease. Therefore, it has been classified as a Variant of Uncertain Significance.